The following is an entry in ClinVar:

ClinVar aggregate classification (germline): Pathogenic/Likely pathogenic. Review status: criteria provided, multiple submitters, no conflicts (2 of 4 stars). 2 submissions from 2 submitters: Pathogenic (1); Likely pathogenic (1). Last evaluated 2024-04-22.

Conditions:
Hereditary nonpolyposis colon cancer (HNPCC). Also called: Hereditary nonpolyposis colorectal cancer; Familial nonpolyposis colon cancer; Hereditary Nonpolyposis Colorectal Cancer Syndrome. Identifiers: Orphanet 443909, MedGen C1333990, MONDO:0018630. Disease mechanism: loss of function.
Hereditary nonpolyposis colorectal neoplasms. Identifiers: MedGen C0009405, MeSH D003123.

Submissions (2):

Labcorp Genetics (formerly Invitae), Labcorp
Classification: Pathogenic for Hereditary nonpolyposis colorectal neoplasms. Last evaluated: 2024-04-22. Review status: criteria provided, single submitter. Criteria: Invitae Variant Classification Sherloc (09022015). Collection method: clinical testing. Allele origin: germline.
Comment: This sequence change creates a premature translational stop signal (p.Gln1258Ilefs*9) in the MSH6 gene. It is expected to result in an absent or disrupted protein product. Loss-of-function variants in MSH6 are known to be pathogenic (PMID: 18269114, 24362816). This variant is not present in population databases (gnomAD no frequency). This variant has not been reported in the literature in individuals affected with MSH6-related conditions. ClinVar contains an entry for this variant (Variation ID: 1878219). For these reasons, this variant has been classified as Pathogenic.

Women's Health and Genetics/Laboratory Corporation of America, LabCorp
Classification: Likely pathogenic for Hereditary nonpolyposis colon cancer. Last evaluated: 2022-12-06. Review status: criteria provided, single submitter. Criteria: LabCorp Variant Classification Summary - May 2015. Collection method: clinical testing. Allele origin: germline.
Comment: Variant summary: MSH6 c.3767_3771dupATTCT (p.Gln1258IlefsX9) results in a premature termination codon, predicted to cause a truncation of the encoded protein or absence of the protein due to nonsense mediated decay, which are commonly known mechanisms for disease. Truncations downstream of this position have been classified as pathogenic by our laboratory. The variant was absent in 251198 control chromosomes. To our knowledge, no occurrence of c.3767_3771dupATTCT in individuals affected with Lynch Syndrome and no experimental evidence demonstrating its impact on protein function have been reported. No clinical diagnostic laboratories have submitted clinical-significance assessments for this variant to ClinVar after 2014. Based on the evidence outlined above, the variant was classified as likely pathogenic.

Literature cited by the submitters: PubMed 18269114 (cited by Labcorp Genetics (formerly Invitae), Labcorp); PubMed 24362816 (cited by Labcorp Genetics (formerly Invitae), Labcorp).

NM_000179.3(MSH6):c.3767_3771dup (p.Gln1258fs)

Gene: MSH6 (mutS homolog 6; plus strand). Cytogenetic location: 2p16.3.
Variant type: Duplication.
Coding change: c.3767_3771dup on transcript NM_000179.3 (MANE Select); coding-DNA positions 3767 to 3771, 5 bases duplicated (ATTCT; older notation c.3767_3771dupATTCT).
Protein change: p.Gln1258fs; shifts the reading frame from glutamine 1258.
Molecular consequence: frameshift variant.
Genome position (GRCh38, 1-based): chr2:47,806,324-47,806,328, ATTCT duplicated; duplicating any 5 consecutive bases within chr2:47,806,323-47,806,328 gives the same sequence; the c. name uses the placement nearest the transcript's 3' end. VCF-style (leftmost placement, unchanged base first): chr2-47806322-T-TTATTC. GRCh37 (hg19) VCF-style: chr2-48033461-T-TTATTC.
Other names: c.3767_3771dupATTCT (NM_000179.2); c.3377_3381dup, p.Gln1128fs (NM_001281492.2); c.2861_2865dup, p.Gln956fs (NM_001281493.2, NM_001281494.2); c.3863_3867dup, p.Gln1290Ilefs (NM_001406795.1, NM_001406802.1); c.3767_3771dup, p.Gln1258Ilefs (NM_001406796.1, NM_001406800.1, NM_001406808.1 and 1 more transcripts); c.3470_3474dup, p.Gln1159Ilefs (NM_001406797.1, NM_001406801.1, NM_001406805.1 and 10 more transcripts); c.3593_3597dup, p.Gln1200Ilefs (NM_001406798.1); c.3242_3246dup, p.Gln1083Ilefs (NM_001406799.1, NM_001406806.1, NM_001406807.1); and 9 more; short protein forms Q1128fs, Q956fs, Q1258fs.
Identifiers: ClinVar variation 1878219 (VCV001878219.6), dbSNP rs2530847255, ClinGen allele CA2580067326.
Genomic context (GRCh38, chr2:47,806,322, plus strand): 5'-TGCTGAGACTATAAAATGTCGTACATTATTTTCAACTCACTACCATTCATTAGTAGAAGA[T>TTATTC]TATTCTCAAAATGTTGCTGTGCGCCTAGGACATATGGTATGTGCAAATTGTTTTTTTCCA-3'